The following is an entry in ClinVar:

ClinVar aggregate classification (germline): Uncertain significance (1 of 4 stars; one submission).

Conditions:
Multiple congenital exostosis (EXT). Also called: Hereditary multiple exostoses; Hereditary multiple exostosis; Hereditary multiple osteochondromas; MULTIPLE CARTILAGINOUS EXOSTOSES; Multiple exostoses; Multiple osteochondromas. Identifiers: Orphanet 321, MedGen C0015306, MONDO:0005508, HP:0002762.

Submission:

Labcorp Genetics (formerly Invitae), Labcorp
Classification: Uncertain significance for Multiple congenital exostosis. Last evaluated: 2021-03-28. Review status: criteria provided, single submitter. Criteria: Invitae Variant Classification Sherloc (09022015). Collection method: clinical testing. Allele origin: germline.
Comment: In summary, the available evidence is currently insufficient to determine the role of this variant in disease. Therefore, it has been classified as a Variant of Uncertain Significance. Advanced modeling of protein sequence and biophysical properties (such as structural, functional, and spatial information, amino acid conservation, physicochemical variation, residue mobility, and thermodynamic stability) performed at Invitae indicates that this missense variant is expected to disrupt EXT1 protein function. This variant has not been reported in the literature in individuals with EXT1-related conditions. This variant is not present in population databases (ExAC no frequency). This sequence change replaces tryptophan with arginine at codon 304 of the EXT1 protein (p.Trp304Arg). The tryptophan residue is highly conserved and there is a moderate physicochemical difference between tryptophan and arginine.

NM_000127.3(EXT1):c.910T>A (p.Trp304Arg)

Gene: EXT1 (exostosin glycosyltransferase 1; minus strand). Cytogenetic location: 8q24.11.
Variant type: single nucleotide variant.
Coding change: c.910T>A on transcript NM_000127.3 (MANE Select); coding-DNA position 910, T replaced by A.
Protein change: p.Trp304Arg; replaces tryptophan 304 with arginine.
Molecular consequence: missense variant.
Genome position (GRCh38, 1-based): chr8:118,110,137, A>T on the plus strand (T>A on the coding strand, the complement: EXT1 is on the minus strand). VCF-style: chr8-118110137-A-T. GRCh37 (hg19) VCF-style: chr8-119122376-A-T.
Other names: short protein forms W304R.
Identifiers: ClinVar variation 1382955 (VCV001382955.8), dbSNP rs1413726979, ClinGen allele CA371914782.